The following is an entry in ClinVar:

NM_002474.3(MYH11):c.531-208G>T

Gene: MYH11 (myosin heavy chain 11; minus strand). Cytogenetic location: 16p13.11.
Variant type: single nucleotide variant.
Coding change: c.531-208G>T on transcript NM_002474.3 (MANE Select); 208 bases into the intron before coding-DNA position 531, G replaced by T.
Molecular consequence: intron variant.
Genome position (GRCh38, 1-based): chr16:15,786,940, C>A on the plus strand (G>T on the coding strand, the complement: MYH11 is on the minus strand). VCF-style: chr16-15786940-C-A. GRCh37 (hg19) VCF-style: chr16-15880797-C-A.
Other names: c.531-208G>T (NM_022844.3, NM_001040114.2, NM_001040113.2).
Identifiers: ClinVar variation 673589 (VCV000673589.1), dbSNP rs34658351, ClinGen allele CA278600660.

ClinVar aggregate classification (germline): Likely benign (1 of 4 stars; one submission).

Allele frequency attached by ClinVar (database versions not stated): gnomAD 0.02364 and 0.02468; TOPMed 0.02564; 1000 Genomes Project 0.03914; 1000 Genomes Project 30x 0.04029.
gnomAD v4.1: 3,755 of 152,234 alleles (2.5%); highest among the groups gnomAD compares: East Asian, 11%; 58 homozygotes.

Submission:

GeneDx
Classification: Likely benign. Last evaluated: 2018-06-14. Review status: criteria provided, single submitter. Criteria: GeneDx Variant Classification (06012015). Collection method: clinical testing. Allele origin: germline. Affected: yes.
Comment: This variant is considered likely benign or benign based on one or more of the following criteria: it is a conservative change, it occurs at a poorly conserved position in the protein, it is predicted to be benign by multiple in silico algorithms, and/or has population frequency not consistent with disease.